The following is an entry in ClinVar:

NM_000063.6(C2):c.960C>G (p.Ile320Met)

Genes: C2 (complement C2; plus strand), C2-AS1 (C2 antisense RNA 1; minus strand). Cytogenetic location: 6p21.33.
Variant type: single nucleotide variant.
Coding change: c.960C>G on transcript NM_000063.6 (MANE Select); coding-DNA position 960, C replaced by G.
Protein change: p.Ile320Met; replaces isoleucine 320 with methionine.
Molecular consequence: missense variant. On other transcripts: intron variant (1).
Genome position (GRCh38, 1-based): chr6:31,936,033, C>G. VCF-style: chr6-31936033-C-G. GRCh37 (hg19) VCF-style: chr6-31903810-C-G.
Other names: c.564C>G, p.Ile188Met (NM_001145903.3); c.222C>G, p.Ile74Met (NM_001282457.2); c.873C>G, p.Ile291Met (NM_001282458.2); c.347-1286C>G (NM_001178063.3); short protein forms I291M, I320M, I74M, I188M.
Identifiers: ClinVar variation 1904487 (VCV001904487.5), dbSNP rs767907586, ClinGen allele CA3727576.

ClinVar aggregate classification (germline): Uncertain significance. Review status: criteria provided, multiple submitters, no conflicts (2 of 4 stars). 2 submissions from 2 submitters: Uncertain significance (2). Last evaluated 2025-08-13.

Allele frequency attached by ClinVar (database versions not stated): gnomAD 0.00001; gnomAD exomes 0.00002; TOPMed 0.00002; ExAC 0.00003.
gnomAD v4.1: 23 of 1,612,956 alleles (0.0014%); highest among the groups gnomAD compares: Non-Finnish European, 0.0014%; no homozygotes.

Submissions (2):

Ambry Genetics
Classification: Uncertain significance. Last evaluated: 2025-08-13. Review status: criteria provided, single submitter. Criteria: Ambry Variant Classification Scheme 2023. Collection method: clinical testing. Allele origin: germline.

Labcorp Genetics (formerly Invitae), Labcorp
Classification: Uncertain significance. Last evaluated: 2024-03-27. Review status: criteria provided, single submitter. Criteria: Invitae Variant Classification Sherloc (09022015). Collection method: clinical testing. Allele origin: germline.
Comment: This sequence change replaces isoleucine, which is neutral and non-polar, with methionine, which is neutral and non-polar, at codon 320 of the C2 protein (p.Ile320Met). This variant is present in population databases (rs767907586, gnomAD 0.04%). This variant has not been reported in the literature in individuals affected with C2-related conditions. ClinVar contains an entry for this variant (Variation ID: 1904487). An algorithm developed to predict the effect of missense changes on protein structure and function (PolyPhen-2) suggests that this variant¬†is likely to be tolerated. In summary, the available evidence is currently insufficient to determine the role of this variant in disease. Therefore, it has been classified as a Variant of Uncertain Significance.